The following is an entry in ClinVar:

NM_003073.5(SMARCB1):c.482A>G (p.Lys161Arg)

Gene: SMARCB1 (SWI/SNF related BAF chromatin remodeling complex subunit B1; plus strand). Cytogenetic location: 22q11.23.
Variant type: single nucleotide variant.
Coding change: c.482A>G on transcript NM_003073.5 (MANE Select); coding-DNA position 482, A replaced by G.
Protein change: p.Lys161Arg; replaces lysine 161 with arginine.
Molecular consequence: missense variant.
Genome position (GRCh38, 1-based): chr22:23,801,063, A>G. VCF-style: chr22-23801063-A-G. GRCh37 (hg19) VCF-style: chr22-24143250-A-G.
Other names: c.455A>G, p.Lys152Arg (NM_001007468.3, NM_001317946.2); c.482A>G, p.Lys161Arg (NM_001362877.2); short protein forms K161R, K152R.
Identifiers: ClinVar variation 5029920 (VCV005029920.1).

ClinVar aggregate classification (germline): Uncertain significance (1 of 4 stars; one submission).

Conditions:
Hereditary cancer-predisposing syndrome. Also called: Neoplastic Syndromes, Hereditary; Tumor predisposition; Hereditary neoplastic syndrome; Hereditary Cancer Syndrome. Identifiers: Orphanet 140162, MedGen C0027672, MeSH D009386, MONDO:0015356.

Submission:

Ambry Genetics
Classification: Uncertain significance for Hereditary cancer-predisposing syndrome. Last evaluated: 2026-06-16. Review status: criteria provided, single submitter. Criteria: Ambry Variant Classification Scheme 2023. Collection method: clinical testing. Allele origin: germline.
Comment: The p.K161R variant (also known as c.482A>G), located in coding exon 4 of the SMARCB1 gene, results from an A to G substitution at nucleotide position 482. The lysine at codon 161 is replaced by arginine, an amino acid with highly similar properties. This amino acid position is conserved. In addition, the in silico prediction for this alteration is inconclusive. Based on the available evidence, the clinical significance of this variant remains unclear.